The following is an entry in ClinVar:

NM_000053.4(ATP7B):c.3944A>G (p.Lys1315Arg)

Gene: ATP7B (ATPase copper transporting beta; minus strand). Cytogenetic location: 13q14.3.
Variant type: single nucleotide variant.
Coding change: c.3944A>G on transcript NM_000053.4 (MANE Select); coding-DNA position 3944, A replaced by G.
Protein change: p.Lys1315Arg; replaces lysine 1315 with arginine.
Molecular consequence: missense variant.
Genome position (GRCh38, 1-based): chr13:51,937,353, T>C on the plus strand (A>G on the coding strand, the complement: ATP7B is on the minus strand). VCF-style: chr13-51937353-T-C. GRCh37 (hg19) VCF-style: chr13-52511489-T-C.
Other names: c.3323A>G, p.Lys1108Arg (NM_001005918.3); c.3611A>G, p.Lys1204Arg (NM_001243182.2); c.3710A>G, p.Lys1237Arg (NM_001330578.2, NM_001406527.1, NM_001406528.1); c.3692A>G, p.Lys1231Arg (NM_001330579.2, NM_001406531.1, NM_001406532.1); c.3944A>G, p.Lys1315Arg (NM_001406511.1, NM_001406512.1); c.3938A>G, p.Lys1313Arg (NM_001406513.1); c.3911A>G, p.Lys1304Arg (NM_001406514.1); c.3890A>G, p.Lys1297Arg (NM_001406515.1, NM_001406516.1); and 21 more; short protein forms K1034R, K1088R, K1099R, K1108R, K1121R, K1151R, K1153R, K1166R.
Identifiers: ClinVar variation 3387324 (VCV003387324.1).

ClinVar aggregate classification (germline): Uncertain significance (1 of 4 stars; one submission).

Conditions:
Wilson disease (WND). Also called: Wilson's disease. Identifiers: Orphanet 905, MedGen C0019202, MONDO:0010200, OMIM 277900. Disease mechanism: loss of function.

gnomAD v4.1: 1 of 1,614,056 alleles (0.000062%); highest among the groups gnomAD compares: Non-Finnish European, 0.000085%; no homozygotes.

Submission:

All of Us Research Program, National Institutes of Health
Classification: Uncertain significance for Wilson disease. Last evaluated: 2024-09-17. Review status: criteria provided, single submitter. Criteria: ACMG Guidelines, 2015. Collection method: clinical testing. Allele origin: germline. Inheritance: Autosomal recessive inheritance. Observed: 1 variant allele, 1 heterozygote.
Comment: This study involves interpretation of variants in research participants for the purpose of population health screening. Participant phenotype was not available at the time of variant classification. Additional details can be found in publication PMID: 35346344, PMCID: PMC8962531